The following is an entry in ClinVar:

NM_201384.3(PLEC):c.10928T>G (p.Val3643Gly)

Gene: PLEC (plectin; minus strand). Cytogenetic location: 8q24.3.
Variant type: single nucleotide variant.
Coding change: c.10928T>G on transcript NM_201384.3 (MANE Select); coding-DNA position 10928, T replaced by G.
Protein change: p.Val3643Gly; replaces valine 3643 with glycine.
Molecular consequence: missense variant.
Genome position (GRCh38, 1-based): chr8:143,918,893, A>C on the plus strand (T>G on the coding strand, the complement: PLEC is on the minus strand). VCF-style: chr8-143918893-A-C. GRCh37 (hg19) VCF-style: chr8-144993061-A-C.
Other names: c.11009T>G, p.Val3670Gly (NM_000445.5); c.10886T>G, p.Val3629Gly (NM_201378.4); c.10862T>G, p.Val3621Gly (NM_201379.3); c.11339T>G, p.Val3780Gly (NM_201380.4); c.10832T>G, p.Val3611Gly (NM_201381.3); c.10928T>G, p.Val3643Gly (NM_201382.4); c.10940T>G, p.Val3647Gly (NM_201383.3); c.11009T>G (NM_000445.3); short protein forms V3621G, V3629G, V3611G, V3647G, V3670G, V3643G, V3780G.
Identifiers: ClinVar variation 1390552 (VCV001390552.12), dbSNP rs1057008805, ClinGen allele CA187608536.
Genomic context (GRCh38, chr8:143,918,893, plus strand): 5'-TAGGTCTCGAGAGAGATGATCCGAGCCTCGAACAGGTCCTCAGCCGTGAGGCGGCGGCGC[A>C]CGTAGTCGTAGGAGGCCAGACCCTGCTGGCGGATGATCTCTGTCTTCTCAATGATCTCGA-3'
Protein context (NP_958786.1, residues 3633-3653): RQQGLASYDY[Val3643Gly]RRRLTAEDLF

ClinVar aggregate classification (germline): Uncertain significance. Review status: criteria provided, multiple submitters, no conflicts (2 of 4 stars). 4 submissions from 4 submitters: Uncertain significance (4). Last evaluated 2025-12-18.

Conditions:
Epidermolysis bullosa simplex 5C, with pyloric atresia (EBS5C). Also called: PLEC-Related Epidermolysis Bullosa with Pyloric Atresia; Epidermolysis bullosa simplex with pyloric atresia; PLEC1-Related Epidermolysis Bullosa with Pyloric Atresia. Identifiers: Orphanet 158684, MedGen C2677349, MONDO:0012807, OMIM 612138.
Epidermolysis bullosa simplex with nail dystrophy (EBS5D). Identifiers: MedGen C4225309, MONDO:0014661, OMIM 616487.
Autosomal recessive limb-girdle muscular dystrophy type 2Q (LGMDR17). Also called: MUSCULAR DYSTROPHY, LIMB-GIRDLE, AUTOSOMAL RECESSIVE 17. Identifiers: Orphanet 254361, MedGen C3150989, MONDO:0013390, OMIM 613723.
Epidermolysis bullosa simplex 5B, with muscular dystrophy (EBS5B). Also called: EPIDERMOLYSIS BULLOSA SIMPLEX AND LIMB-GIRDLE MUSCULAR DYSTROPHY; Epidermolysis bullosa simplex with muscular dystrophy. Identifiers: Orphanet 257, MedGen C2931072, MONDO:0009181, OMIM 226670.
Epidermolysis bullosa simplex, Ogna type (EBS5A). Also called: Pidermolysis bullosa simplex 5A, Ogna type; EPIDERMOLYSIS BULLOSA SIMPLEX 5A, OGNA TYPE. Identifiers: Orphanet 79401, MedGen C0432317, MONDO:0007555, OMIM 131950.
Inborn genetic diseases. Identifiers: MedGen C0950123, MeSH D030342.

Allele frequency attached by ClinVar (database versions not stated): gnomAD 0.00001; gnomAD exomes 0.00001; TOPMed 0.00001.
gnomAD v4.1: 18 of 1,611,940 alleles (0.0011%); highest among the groups gnomAD compares: Non-Finnish European, 0.0014%; no homozygotes.

Submissions (4):

Ambry Genetics
Classification: Uncertain significance for Inborn genetic diseases. Last evaluated: 2025-12-18. Review status: criteria provided, single submitter. Criteria: Ambry Variant Classification Scheme 2023. Collection method: clinical testing. Allele origin: germline.
Comment: The c.11009T>G (p.V3670G) alteration is located in exon 33 (coding exon 32) of the PLEC gene. This alteration results from a T to G substitution at nucleotide position 11009, causing the valine (V) at amino acid position 3670 to be replaced by a glycine (G). Based on data from gnomAD, the G allele has an overall frequency of 0.003% (1/31362) total alleles studied. The highest observed frequency was 0.007% (1/15406) of European (non-Finnish) alleles. Based on insufficient or conflicting evidence, the clinical significance of this alteration remains unclear.

Labcorp Genetics (formerly Invitae), Labcorp
Classification: Uncertain significance for Autosomal recessive limb-girdle muscular dystrophy type 2Q; Epidermolysis bullosa simplex, Ogna type; Epidermolysis bullosa simplex with nail dystrophy; Epidermolysis bullosa simplex 5C, with pyloric atresia; Epidermolysis bullosa simplex 5B, with muscular dystrophy. Last evaluated: 2025-08-03. Review status: criteria provided, single submitter. Criteria: Invitae Variant Classification Sherloc (09022015). Collection method: clinical testing. Allele origin: germline.
Comment: This sequence change replaces valine, which is neutral and non-polar, with glycine, which is neutral and non-polar, at codon 3670 of the PLEC protein (p.Val3670Gly). This variant is present in population databases (no rsID available, gnomAD 0.007%). This variant has not been reported in the literature in individuals affected with PLEC-related conditions. ClinVar contains an entry for this variant (Variation ID: 1390552). An algorithm developed to predict the effect of missense changes on protein structure and function (PolyPhen-2) suggests that this variant is likely to be tolerated. In summary, the available evidence is currently insufficient to determine the role of this variant in disease. Therefore, it has been classified as a Variant of Uncertain Significance.

Blueprint Genetics
Classification: Uncertain significance. Last evaluated: 2024-04-05. Review status: criteria provided, single submitter. Criteria: ACMG Guidelines, 2015. Collection method: clinical testing. Allele origin: germline.

Revvity Omics, Revvity
Classification: Uncertain significance. Last evaluated: 2023-07-11. Review status: criteria provided, single submitter. Criteria: ACMG Guidelines, 2015. Collection method: clinical testing. Allele origin: germline.